The following is an entry in ClinVar:

NM_017636.4(TRPM4):c.125C>T (p.Thr42Ile)

Gene: TRPM4 (transient receptor potential cation channel subfamily M member 4; plus strand). Cytogenetic location: 19q13.33.
Variant type: single nucleotide variant.
Coding change: c.125C>T on transcript NM_017636.4 (MANE Select); coding-DNA position 125, C replaced by T.
Protein change: p.Thr42Ile; replaces threonine 42 with isoleucine.
Molecular consequence: missense variant. On other transcripts: 5 prime UTR variant (1), intron variant (2).
Genome position (GRCh38, 1-based): chr19:49,166,073, C>T. VCF-style: chr19-49166073-C-T. GRCh37 (hg19) VCF-style: chr19-49669330-C-T.
Other names: c.125C>T, p.Thr42Ile (NM_001195227.2, NM_001321281.2); c.-1248C>T (NM_001321282.2); c.-74-2187C>T (NM_001321283.2); c.-237-2480C>T (NM_001321285.2); short protein forms T42I.
Identifiers: ClinVar variation 2867879 (VCV002867879.3), dbSNP rs770169566, ClinGen allele CA9568698.

ClinVar aggregate classification (germline): Uncertain significance (1 of 4 stars; one submission).

Conditions:
Progressive familial heart block type IB (PFHB1B). Identifiers: Orphanet 871, MedGen C1970298, MONDO:0011474, OMIM 604559.

Allele frequency attached by ClinVar (database versions not stated): gnomAD 0.00001; ExAC 0.00002.

Submission:

Labcorp Genetics (formerly Invitae), Labcorp
Classification: Uncertain significance for Progressive familial heart block type IB. Last evaluated: 2023-09-06. Review status: criteria provided, single submitter. Criteria: Invitae Variant Classification Sherloc (09022015). Collection method: clinical testing. Allele origin: germline.
Comment: In summary, the available evidence is currently insufficient to determine the role of this variant in disease. Therefore, it has been classified as a Variant of Uncertain Significance. An algorithm developed to predict the effect of missense changes on protein structure and function (PolyPhen-2) suggests that this variant is likely to be tolerated. This variant has not been reported in the literature in individuals affected with TRPM4-related conditions. The frequency data for this variant in the population databases is considered unreliable, as metrics indicate poor data quality at this position in the gnomAD database. This sequence change replaces threonine, which is neutral and polar, with isoleucine, which is neutral and non-polar, at codon 42 of the TRPM4 protein (p.Thr42Ile).